The following is an entry in ClinVar:

NM_015338.6(ASXL1):c.3097G>A (p.Glu1033Lys)

Gene: ASXL1 (ASXL transcriptional regulator 1; plus strand). Cytogenetic location: 20q11.21.
Variant type: single nucleotide variant.
Coding change: c.3097G>A on transcript NM_015338.6 (MANE Select); coding-DNA position 3097, G replaced by A.
Protein change: p.Glu1033Lys; replaces glutamic acid 1033 with lysine.
Molecular consequence: missense variant.
Genome position (GRCh38, 1-based): chr20:32,435,809, G>A. VCF-style: chr20-32435809-G-A. GRCh37 (hg19) VCF-style: chr20-31023612-G-A.
Other names: c.2914G>A, p.Glu972Lys (NM_001363734.1); short protein forms E972K, E1033K.
Identifiers: ClinVar variation 3438251 (VCV003438251.1).

ClinVar aggregate classification (germline): Uncertain significance (1 of 4 stars; one submission).

Conditions:
Inborn genetic diseases. Identifiers: MedGen C0950123, MeSH D030342.

Submission:

Ambry Genetics
Classification: Uncertain significance for Inborn genetic diseases. Last evaluated: 2024-11-18. Review status: criteria provided, single submitter. Criteria: Ambry Variant Classification Scheme 2023. Collection method: clinical testing. Allele origin: germline.
Comment: The p.E1033K variant (also known as c.3097G>A), located in coding exon 13 of the ASXL1 gene, results from a G to A substitution at nucleotide position 3097. The glutamic acid at codon 1033 is replaced by lysine, an amino acid with similar properties. This amino acid position is conserved. In addition, this alteration is predicted to be tolerated by in silico analysis. Based on the available evidence, the clinical significance of this variant remains unclear.